The following is an entry in ClinVar:

ClinVar aggregate classification (germline): Likely benign (1 of 4 stars; one submission).

Allele frequency attached by ClinVar (database versions not stated): gnomAD exomes 0.00001; ExAC 0.00007; TOPMed below 0.00001.

Submission:

CeGaT Center for Human Genetics Tuebingen
Classification: Likely benign. Last evaluated: 2022-11-01. Review status: criteria provided, single submitter. Criteria: CeGaT Center For Human Genetics Tuebingen Variant Classification Criteria Version 2. Collection method: clinical testing. Allele origin: germline. Affected: yes. Observed: 1 variant allele.
Comment: SCNN1D: BP4, BP7

NM_001130413.4(SCNN1D):c.717G>A (p.Leu239=)

Gene: SCNN1D (sodium channel epithelial 1 subunit delta; plus strand). Cytogenetic location: 1p36.33.
Variant type: single nucleotide variant.
Coding change: c.717G>A on transcript NM_001130413.4 (MANE Select); coding-DNA position 717, G replaced by A.
Protein change: p.Leu239=; no amino-acid change (leucine 239 retained).
Molecular consequence: synonymous variant. On other transcripts: non-coding transcript variant (1).
Genome position (GRCh38, 1-based): chr1:1,286,084, G>A. VCF-style: chr1-1286084-G-A. GRCh37 (hg19) VCF-style: chr1-1221464-G-A.
Identifiers: ClinVar variation 2637991 (VCV002637991.24), dbSNP rs762268949, ClinGen allele CA514354.